The following is an entry in ClinVar:

ClinVar aggregate classification (germline): Likely benign. Review status: criteria provided, multiple submitters, no conflicts (2 of 4 stars). 3 submissions from 3 submitters: Likely benign (3). Last evaluated 2026-07-31.

Conditions:
PCDH15-related disorder. Also called: PCDH15-related condition; PCDH15-related disorders.

Allele frequency attached by ClinVar (database versions not stated): gnomAD exomes below 0.00001; TOPMed 0.00001.
gnomAD v4.1: 2 of 1,614,008 alleles (0.00012%); highest among the groups gnomAD compares: Non-Finnish European, 0.00017%; no homozygotes.

Submissions (3):

PreventionGenetics, part of Exact Sciences
Classification: Likely benign for PCDH15-related condition. Last evaluated: 2026-07-31. Review status: criteria provided, single submitter. Criteria: ACMG Guidelines, 2015. Collection method: clinical testing. Allele origin: germline.
Comment: This variant is classified as likely benign based on ACMG/AMP sequence variant interpretation guidelines (Richards et al. 2015 PMID: 25741868, with internal and published modifications).

Labcorp Genetics (formerly Invitae), Labcorp
Classification: Likely benign. Last evaluated: 2026-01-12. Review status: criteria provided, single submitter. Criteria: Invitae Variant Classification Sherloc (09022015). Collection method: clinical testing. Allele origin: germline.

Blueprint Genetics
Classification: Likely benign. Last evaluated: 2018-06-25. Review status: criteria provided, single submitter. Criteria: ACMG Guidelines, 2015. Collection method: clinical testing. Allele origin: germline.

NM_001384140.1(PCDH15):c.3087T>C (p.Pro1029=)

Gene: PCDH15 (protocadherin related 15; minus strand). Cytogenetic location: 10q21.1.
Variant type: single nucleotide variant.
Coding change: c.3087T>C on transcript NM_001384140.1 (MANE Select); coding-DNA position 3087, T replaced by C.
Protein change: p.Pro1029=; no amino-acid change (proline 1029 retained).
Molecular consequence: synonymous variant.
Genome position (GRCh38, 1-based): chr10:53,959,767, A>G on the plus strand (T>C on the coding strand, the complement: PCDH15 is on the minus strand). VCF-style: chr10-53959767-A-G. GRCh37 (hg19) VCF-style: chr10-55719527-A-G.
Other names: c.3087T>C (NM_033056.3); c.3102T>C, p.Pro1034= (NM_001142763.2, NM_001142771.2); c.3087T>C, p.Pro1029= (NM_001142764.2, NM_001142766.2, NM_001142770.3 and 4 more transcripts); c.2874T>C, p.Pro958= (NM_001142765.2); c.2976T>C, p.Pro992= (NM_001142767.2); c.3021T>C, p.Pro1007= (NM_001142768.2, NM_001142773.2, NM_001354404.2); c.3123T>C, p.Pro1041= (NM_001142769.4); c.3108T>C, p.Pro1036= (NM_001354411.2).
Identifiers: ClinVar variation 1106408 (VCV001106408.11), dbSNP rs1264180698, ClinGen allele CA469494861.